The following is an entry in ClinVar:

ClinVar aggregate classification (germline): Uncertain significance (1 of 4 stars; one submission).

Conditions:
Early-infantile DEE. Also called: Early infantile epileptic encephalopathy; Ohtahara syndrome; Early infantile epileptic encephalopathy with suppression bursts. Identifiers: Orphanet 1934, MedGen C0393706, MONDO:0800491.

Submission:

Labcorp Genetics (formerly Invitae), Labcorp
Classification: Uncertain significance for Early-infantile DEE. Last evaluated: 2023-04-09. Review status: criteria provided, single submitter. Criteria: Invitae Variant Classification Sherloc (09022015). Collection method: clinical testing. Allele origin: germline.
Comment: In summary, the available evidence is currently insufficient to determine the role of this variant in disease. Therefore, it has been classified as a Variant of Uncertain Significance. Advanced modeling of protein sequence and biophysical properties (such as structural, functional, and spatial information, amino acid conservation, physicochemical variation, residue mobility, and thermodynamic stability) performed at Invitae indicates that this missense variant is expected to disrupt SCN8A protein function. This variant has not been reported in the literature in individuals affected with SCN8A-related conditions. This variant is not present in population databases (gnomAD no frequency). This sequence change replaces proline, which is neutral and non-polar, with serine, which is neutral and polar, at codon 73 of the SCN8A protein (p.Pro73Ser).

NM_001330260.2(SCN8A):c.217C>T (p.Pro73Ser)

Genes: SCN8A (sodium voltage-gated channel alpha subunit 8; plus strand), LOC114803470 (SCN8A eExon liver enhancer; plus strand). Cytogenetic location: 12q13.13.
Variant type: single nucleotide variant.
Coding change: c.217C>T on transcript NM_001330260.2 (MANE Select); coding-DNA position 217, C replaced by T.
Protein change: p.Pro73Ser; replaces proline 73 with serine.
Molecular consequence: missense variant.
Genome position (GRCh38, 1-based): chr12:51,663,034, C>T. VCF-style: chr12-51663034-C-T. GRCh37 (hg19) VCF-style: chr12-52056818-C-T.
Other names: c.217C>T, p.Pro73Ser (NM_001177984.3, NM_001369788.1, NM_014191.4); short protein forms P73S.
Identifiers: ClinVar variation 2911827 (VCV002911827.3), dbSNP rs2540119660, ClinGen allele CA385228362.
Genomic context (GRCh38, chr12:51,663,034, plus strand): 5'-CCCAAGCCAAACAGCGACCTGGAAGCAGGGAAGAGTTTGCCTTTCATCTACGGGGACATC[C>T]CCCAAGGCCTGGTTGCAGTTCCCCTGGAGGACTTTGACCCATACTATTTGACGCAGAAAG-3'
Protein context (NP_001317189.1, residues 63-83): KSLPFIYGDI[Pro73Ser]QGLVAVPLED